The following is an entry in ClinVar:

NM_033028.5(BBS4):c.226A>G (p.Ile76Val)

Gene: BBS4 (Bardet-Biedl syndrome 4; plus strand). Cytogenetic location: 15q24.1.
Variant type: single nucleotide variant.
Coding change: c.226A>G on transcript NM_033028.5 (MANE Select); coding-DNA position 226, A replaced by G.
Protein change: p.Ile76Val; replaces isoleucine 76 with valine.
Molecular consequence: missense variant. On other transcripts: 5 prime UTR variant (1), non-coding transcript variant (2).
Genome position (GRCh38, 1-based): chr15:72,715,296, A>G. VCF-style: chr15-72715296-A-G. GRCh37 (hg19) VCF-style: chr15-73007637-A-G.
Other names: c.226A>G (NM_033028.4); c.-296A>G (NM_001252678.2); c.226A>G, p.Ile76Val (NM_001320665.2); short protein forms I76V.
Identifiers: ClinVar variation 1899528 (VCV001899528.4), dbSNP rs527539622, ClinGen allele CA7646559.
Genomic context (GRCh38, chr15:72,715,296, plus strand): 5'-CCATTCTTCCCAGAACATGGTTTTACTTTTTTTTGTATTTTCTGTTTCTTGGCAGCATTG[A>G]TATTTCGCCTAGAAGGAAATATCCAAGAATCCCTAGAACTCTTCCAGACATGTGCAGTTC-3'
Protein context (NP_149017.2, residues 66-86): CEYAIYVQAL[Ile76Val]FRLEGNIQES

ClinVar aggregate classification (germline): Uncertain significance. Review status: criteria provided, multiple submitters, no conflicts (2 of 4 stars). 3 submissions from 3 submitters: Uncertain significance (3). Last evaluated 2024-12-20.

Conditions:
BBS4-related disorder. Also called: BBS4-related condition.
Bardet-Biedl syndrome (BBS). Identifiers: Orphanet 110, MedGen C0752166, MONDO:0015229.

Allele frequency attached by ClinVar (database versions not stated): ExAC 0.00001; TOPMed 0.00002; gnomAD 0.00003; 1000 Genomes Project 30x 0.00016; 1000 Genomes Project 0.00020.
gnomAD v4.1: 9 of 1,608,890 alleles (0.00056%); highest among the groups gnomAD compares: African/African-American, 0.0093%; no homozygotes.

Submissions (3):

PreventionGenetics, part of Exact Sciences
Classification: Uncertain significance for BBS4-related condition. Last evaluated: 2024-12-20. Review status: criteria provided, single submitter. Criteria: ACMG Guidelines, 2015. Collection method: clinical testing. Allele origin: germline.
Comment: The BBS4 c.226A>G variant is predicted to result in the amino acid substitution p.Ile76Val. To our knowledge, this variant has not been reported in the literature. This variant is reported in 0.012% of alleles in individuals of African descent in gnomAD. At this time, the clinical significance of this variant is uncertain due to the absence of conclusive functional and genetic evidence.

Blueprint Genetics
Classification: Uncertain significance. Last evaluated: 2023-06-27. Review status: criteria provided, single submitter. Criteria: ACMG Guidelines, 2015. Collection method: clinical testing. Allele origin: germline.

Labcorp Genetics (formerly Invitae), Labcorp
Classification: Uncertain significance for Bardet-Biedl syndrome. Last evaluated: 2022-09-27. Review status: criteria provided, single submitter. Criteria: Invitae Variant Classification Sherloc (09022015). Collection method: clinical testing. Allele origin: germline.
Comment: This sequence change replaces isoleucine, which is neutral and non-polar, with valine, which is neutral and non-polar, at codon 76 of the BBS4 protein (p.Ile76Val). The frequency data for this variant in the population databases is considered unreliable, as metrics indicate poor data quality at this position in the gnomAD database. This variant has not been reported in the literature in individuals affected with BBS4-related conditions. Advanced modeling of protein sequence and biophysical properties (such as structural, functional, and spatial information, amino acid conservation, physicochemical variation, residue mobility, and thermodynamic stability) performed at Invitae indicates that this missense variant is not expected to disrupt BBS4 protein function. In summary, the available evidence is currently insufficient to determine the role of this variant in disease. Therefore, it has been classified as a Variant of Uncertain Significance.